The following is an entry in ClinVar:

ClinVar aggregate classification (germline): Uncertain significance (1 of 4 stars; one submission).

Submission:

Labcorp Genetics (formerly Invitae), Labcorp
Classification: Uncertain significance. Last evaluated: 2021-09-15. Review status: criteria provided, single submitter. Criteria: Invitae Variant Classification Sherloc (09022015). Collection method: clinical testing. Allele origin: germline.
Comment: In summary, the available evidence is currently insufficient to determine the role of this variant in disease. Therefore, it has been classified as a Variant of Uncertain Significance. Algorithms developed to predict the effect of sequence changes on RNA splicing suggest that this variant may create or strengthen a splice site. Algorithms developed to predict the effect of missense changes on protein structure and function are either unavailable or do not agree on the potential impact of this missense change (SIFT: "Not Available"; PolyPhen-2: "Benign"; Align-GVGD: "Not Available"). This variant has not been reported in the literature in individuals affected with UNC80-related conditions. This variant is not present in population databases (ExAC no frequency). This sequence change replaces glutamine with glutamic acid at codon 357 of the UNC80 protein (p.Gln357Glu). The glutamine residue is weakly conserved and there is a small physicochemical difference between glutamine and glutamic acid.

NM_001371986.1(UNC80):c.1069C>G (p.Gln357Glu)

Gene: UNC80 (unc-80 subunit of NALCN channel complex; plus strand). Cytogenetic location: 2q34.
Variant type: single nucleotide variant.
Coding change: c.1069C>G on transcript NM_001371986.1 (MANE Select); coding-DNA position 1069, C replaced by G.
Protein change: p.Gln357Glu; replaces glutamine 357 with glutamic acid.
Molecular consequence: missense variant.
Genome position (GRCh38, 1-based): chr2:209,813,710, C>G. VCF-style: chr2-209813710-C-G. GRCh37 (hg19) VCF-style: chr2-210678434-C-G.
Other names: c.1069C>G, p.Gln357Glu (NM_032504.2, NM_182587.4); short protein forms Q357E.
Identifiers: ClinVar variation 1475514 (VCV001475514.6), dbSNP rs2153827294, ClinGen allele CA350133170.